The following is an entry in ClinVar:

ClinVar aggregate classification (germline): Conflicting classifications of pathogenicity. Review status: criteria provided, conflicting classifications (1 of 4 stars). 3 submissions from 3 submitters: Uncertain significance (1); Likely benign (2). Last evaluated 2021-11-16.

Conditions:
Hereditary breast ovarian cancer syndrome. Also called: Hereditary breast and ovarian cancer; Hereditary breast and ovarian cancer syndrome; Hereditary breast and ovarian cancer syndrome (HBOC); Breast and ovarian cancer; BRCA1- and BRCA2-Associated Hereditary Breast and Ovarian Cancer; Hereditary breast and/or ovarian cancer syndrome. Identifiers: Orphanet 145, MedGen C0677776, MeSH D061325, MONDO:0003582. Disease mechanism: loss of function.
Hereditary cancer-predisposing syndrome. Also called: Tumor predisposition; Neoplastic Syndromes, Hereditary; Hereditary Cancer Syndrome; Hereditary neoplastic syndrome. Identifiers: Orphanet 140162, MedGen C0027672, MeSH D009386, MONDO:0015356.

Allele frequency attached by ClinVar (database versions not stated): gnomAD exomes below 0.00001.
gnomAD v4.1: 2 of 1,613,230 alleles (0.00012%); highest among the groups gnomAD compares: South Asian, 0.0011%; no homozygotes.

Submissions (4):

National Health Laboratory Service, Universitas Academic Hospital and University of the Free State
Classification: Likely benign for Hereditary breast ovarian cancer syndrome. Last evaluated: 2021-11-16. Review status: criteria provided, single submitter. Criteria: ACMG Guidelines, 2015. Collection method: clinical testing. Allele origin: germline. Affected: yes. Observed: 1 variant allele.

Ambry Genetics
Classification: Likely benign for Hereditary cancer-predisposing syndrome. Last evaluated: 2020-12-10. Review status: criteria provided, single submitter. Criteria: Ambry Variant Classification Scheme 2023. Collection method: clinical testing. Allele origin: germline.

Labcorp Genetics (formerly Invitae), Labcorp
Classification: Uncertain significance for Hereditary breast ovarian cancer syndrome. Last evaluated: 2019-04-16. Review status: criteria provided, single submitter. Criteria: Invitae Variant Classification Sherloc (09022015). Collection method: clinical testing. Allele origin: germline.
Comment: In summary, the available evidence is currently insufficient to determine the role of this variant in disease. Therefore, it has been classified as a Variant of Uncertain Significance. Algorithms developed to predict the effect of missense changes on protein structure and function output the following: SIFT: "Tolerated"; PolyPhen-2: "Benign"; Align-GVGD: "Class C0". The valine amino acid residue is found in multiple mammalian species, suggesting that this missense change does not adversely affect protein function. These predictions have not been confirmed by published functional studies and their clinical significance is uncertain. This variant has not been reported in the literature in individuals with BRCA1-related disease. This variant is not present in population databases (ExAC no frequency). This sequence change replaces alanine with valine at codon 5 of the BRCA1 protein (p.Ala5Val). The alanine residue is moderately conserved and there is a small physicochemical difference between alanine and valine.

Brotman Baty Institute, University of Washington
No classification provided (evidence only). Condition: Breast-ovarian cancer, familial 1. Review status: no classification provided. Collection method: in vitro. Allele origin: not applicable. Functional consequence: functionally_normal. Not counted in ClinVar's aggregate classification.
ClinVar note: "not provided" was previously submitted as the classification for the variant. However, the classification appeared to be based only on an observation of functional data so it was converted to no classification on 2025-07-30.

Literature cited by the submitters: DOI 10.3389/fgene.2022.834265 (cited by National Health Laboratory Service, Universitas Academic Hospital and University of the Free State); PubMed 30209399 (cited by Ambry Genetics).

NM_007294.4(BRCA1):c.14C>T (p.Ala5Val)

Gene: BRCA1 (BRCA1 DNA repair associated; minus strand). Cytogenetic location: 17q21.31.
Variant type: single nucleotide variant.
Coding change: c.14C>T on transcript NM_007294.4 (MANE Select); coding-DNA position 14, C replaced by T.
Protein change: p.Ala5Val; replaces alanine 5 with valine.
Molecular consequence: missense variant. On other transcripts: 5 prime UTR variant (1), non-coding transcript variant (1).
Genome position (GRCh38, 1-based): chr17:43,124,083, G>A on the plus strand (C>T on the coding strand, the complement: BRCA1 is on the minus strand). VCF-style: chr17-43124083-G-A. GRCh37 (hg19) VCF-style: chr17-41276100-G-A.
Other names: NP_009225.1:p.Ala5Val; c.-175C>T (NM_001407946.1, NM_001407947.1, NM_001407948.1 and 46 more transcripts); c.-294C>T (NM_001407954.1, NM_001408513.1, NM_001407917.1); c.-406C>T (NM_001407965.1); c.14C>T, p.Ala5Val (NM_001407968.1, NM_001407969.1, NM_001407970.1 and 193 more transcripts); c.-247C>T (NM_001408410.1, NM_001408452.1, NM_001408462.1 and 22 more transcripts); c.-74C>T (NM_001408454.1, NM_001408459.1, NM_001408460.1 and 23 more transcripts); c.-244C>T (NM_001408455.1, NM_001408456.1, NM_001408468.1 and 11 more transcripts); and 9 more; short protein forms A5V.
Identifiers: ClinVar variation 576432 (VCV000576432.29), dbSNP rs1335137805, ClinGen allele CA10602130.
Genomic context (GRCh38, chr17:43,124,083, plus strand): 5'-GGACACTCTAAGATTTTCTGCATAGCATTAATGACATTTTGTACTTCTTCAACGCGAAGA[G>A]CAGATAAATCCATTTCTTTCTGTTCCAATGAACTTTAACACATTAGAAAAACATATATAT-3'
Protein context (NP_009225.1, residues 1-15): MDLS[Ala5Val]LRVEEVQNVI